The following is an entry in ClinVar:

ClinVar aggregate classification (germline): Likely benign. Review status: criteria provided, multiple submitters, no conflicts (2 of 4 stars). 5 submissions from 5 submitters: Likely benign (5). Last evaluated 2025-11-27.

Conditions:
Cardiovascular phenotype. Identifiers: MedGen CN230736.
Hypertrophic cardiomyopathy. Also called: HYPERTROPHIC MYOCARDIOPATHY. Identifiers: Orphanet 217569, MedGen C0007194, MeSH D002312, MONDO:0005045, HP:0001639.
Cardiomyopathy (CMYO). Also called: Cardiomyopathies. Identifiers: Orphanet 167848, MedGen C0878544, MONDO:0004994, HP:0001638. Inheritance: Various modes of inheritance.

Allele frequency attached by ClinVar (database versions not stated): gnomAD 0.00001; TOPMed 0.00002; gnomAD exomes 0.00004; ExAC 0.00010.
gnomAD v4.1: 51 of 1,602,884 alleles (0.0032%); highest among the groups gnomAD compares: South Asian, 0.05%; 2 homozygotes.

Submissions (5):

Labcorp Genetics (formerly Invitae), Labcorp
Classification: Likely benign for Hypertrophic cardiomyopathy. Last evaluated: 2025-11-27. Review status: criteria provided, single submitter. Criteria: Invitae Variant Classification Sherloc (09022015). Collection method: clinical testing. Allele origin: germline.

All of Us Research Program, National Institutes of Health
Classification: Likely benign for Hypertrophic cardiomyopathy. Last evaluated: 2024-01-11. Review status: criteria provided, single submitter. Criteria: ACMG Guidelines, 2015. Collection method: clinical testing. Allele origin: germline. Inheritance: Autosomal dominant inheritance. Observed: 2 variant alleles, 2 heterozygotes.
Comment: This study involves interpretation of variants in research participants for the purpose of population health screening. Participant phenotype was not available at the time of variant classification. Additional details can be found in publication PMID: 35346344, PMCID: PMC8962531

GeneDx
Classification: Likely benign. Last evaluated: 2019-01-04. Review status: criteria provided, single submitter. Criteria: GeneDx Variant Classification Process June 2021. Collection method: clinical testing. Allele origin: germline. Affected: yes.

Color Diagnostics, LLC DBA Color Health
Classification: Likely benign for Cardiomyopathy. Last evaluated: 2018-12-04. Review status: criteria provided, single submitter. Criteria: ACMG Guidelines, 2015. Collection method: clinical testing. Allele origin: germline.

Ambry Genetics
Classification: Likely benign for Cardiovascular phenotype. Last evaluated: 2016-10-27. Review status: criteria provided, single submitter. Criteria: Ambry Variant Classification Scheme 2023. Collection method: clinical testing. Allele origin: germline.

NM_000256.3(MYBPC3):c.81C>T (p.Ala27=)

Gene: MYBPC3 (myosin binding protein C3; minus strand). Cytogenetic location: 11p11.2.
Variant type: single nucleotide variant.
Coding change: c.81C>T on transcript NM_000256.3 (MANE Select); coding-DNA position 81, C replaced by T.
Protein change: p.Ala27=; no amino-acid change (alanine 27 retained).
Molecular consequence: synonymous variant.
Genome position (GRCh38, 1-based): chr11:47,351,450, G>A on the plus strand (C>T on the coding strand, the complement: MYBPC3 is on the minus strand). VCF-style: chr11-47351450-G-A. GRCh37 (hg19) VCF-style: chr11-47373001-G-A.
Other names: c.81C>T, p.Ala27= (LRG_386t1).
Identifiers: ClinVar variation 389574 (VCV000389574.19), dbSNP rs761547225, ClinGen allele CA056927.